The following is an entry in ClinVar:

ClinVar aggregate classification (germline): Likely benign. Review status: reviewed by expert panel (3 of 4 stars). 8 submissions from 8 submitters: Likely benign (1). 7 of the submissions do not count toward it. Last evaluated 2017-06-29.

Conditions:
BRCA2-related disorder. Also called: BRCA2-related condition; BRCA2-related disorders. Identifiers: MedGen CN239275.
BRCA2-related cancer predisposition. Identifiers: MedGen CN377758, MONDO:0700269.
Hereditary cancer-predisposing syndrome. Also called: Tumor predisposition; Neoplastic Syndromes, Hereditary; Hereditary neoplastic syndrome; Hereditary Cancer Syndrome. Identifiers: Orphanet 140162, MedGen C0027672, MeSH D009386, MONDO:0015356.
Hereditary breast ovarian cancer syndrome. Also called: Hereditary breast and ovarian cancer syndrome; Hereditary breast and ovarian cancer syndrome (HBOC); Hereditary breast and ovarian cancer; Breast and ovarian cancer; BRCA1- and BRCA2-Associated Hereditary Breast and Ovarian Cancer; Hereditary breast and/or ovarian cancer syndrome. Identifiers: Orphanet 145, MedGen C0677776, MeSH D061325, MONDO:0003582. Disease mechanism: loss of function.
Breast-ovarian cancer, familial, susceptibility to, 2 (BROVCA2). Also called: BRCA2 Hereditary Breast and Ovarian Cancer. Identifiers: Orphanet 145, MedGen C2675520, MONDO:0012933, OMIM 612555. Disease mechanism: loss of function.

Allele frequency attached by ClinVar (database versions not stated): gnomAD exomes 0.00002.

Submissions (8):

Evidence-based Network for the Interpretation of Germline Mutant Alleles (ENIGMA)
Classification: Likely benign for Breast-ovarian cancer, familial, susceptibility to, 2. Last evaluated: 2017-06-29. Review status: reviewed by expert panel. Criteria: ENIGMA BRCA1/2 Classification Criteria (2017-06-29). Collection method: curation. Allele origin: germline.
Comment: Synonymous substitution variant, with low bioinformatic likelihood to result in a splicing aberration (Splicing prior probability 0.02).

Labcorp Genetics (formerly Invitae), Labcorp
Classification: Likely benign for Hereditary breast ovarian cancer syndrome. Last evaluated: 2026-01-16. Review status: criteria provided, single submitter. Criteria: Invitae Variant Classification Sherloc (09022015). Collection method: clinical testing. Allele origin: germline. Not counted in ClinVar's aggregate classification.

All of Us Research Program, National Institutes of Health
Classification: Likely benign for BRCA2-related cancer predisposition. Last evaluated: 2024-04-16. Review status: criteria provided, single submitter. Criteria: ACMG Guidelines, 2015. Collection method: clinical testing. Allele origin: germline. Inheritance: Autosomal dominant inheritance. Observed: 5 variant alleles, 5 heterozygotes. Not counted in ClinVar's aggregate classification.
Comment: This study involves interpretation of variants in research participants for the purpose of population health screening. Participant phenotype was not available at the time of variant classification. Additional details can be found in publication PMID: 35346344, PMCID: PMC8962531

Women's Health and Genetics/Laboratory Corporation of America, LabCorp
Classification: Likely benign. Last evaluated: 2023-08-23. Review status: criteria provided, single submitter. Criteria: LabCorp Variant Classification Summary - May 2015. Collection method: clinical testing. Allele origin: germline. Not counted in ClinVar's aggregate classification.

Blueprint Genetics
Classification: Likely benign. Last evaluated: 2020-11-12. Review status: criteria provided, single submitter. Criteria: ACMG Guidelines, 2015. Collection method: clinical testing. Allele origin: germline. Not counted in ClinVar's aggregate classification.

Color Diagnostics, LLC DBA Color Health
Classification: Likely benign for Hereditary cancer-predisposing syndrome. Last evaluated: 2020-01-15. Review status: criteria provided, single submitter. Criteria: ACMG Guidelines, 2015. Collection method: clinical testing. Allele origin: germline. Not counted in ClinVar's aggregate classification.

Ambry Genetics
Classification: Likely benign for Hereditary cancer-predisposing syndrome. Last evaluated: 2015-05-15. Review status: criteria provided, single submitter. Criteria: Ambry Variant Classification Scheme 2023. Collection method: clinical testing. Allele origin: germline. Not counted in ClinVar's aggregate classification.

PreventionGenetics, part of Exact Sciences
Classification: Likely benign for BRCA2-related condition. Last evaluated: 2023-08-30. Review status: no assertion criteria provided. Collection method: clinical testing. Allele origin: germline. Not counted in ClinVar's aggregate classification.
Comment: This variant is classified as likely benign based on ACMG/AMP sequence variant interpretation guidelines (Richards et al. 2015 PMID: 25741868, with internal and published modifications).

NM_000059.4(BRCA2):c.9426T>C (p.Asp3142=)

Gene: BRCA2 (BRCA2 DNA repair associated; plus strand). Cytogenetic location: 13q13.1.
Variant type: single nucleotide variant.
Coding change: c.9426T>C on transcript NM_000059.4 (MANE Select); coding-DNA position 9426, T replaced by C.
Protein change: p.Asp3142=; no amino-acid change (aspartic acid 3142 retained).
Molecular consequence: synonymous variant.
Genome position (GRCh38, 1-based): chr13:32,394,858, T>C. VCF-style: chr13-32394858-T-C. GRCh37 (hg19) VCF-style: chr13-32968995-T-C.
Identifiers: ClinVar variation 185125 (VCV000185125.26), dbSNP rs786201946, ClinGen allele CA026151.